The following is an entry in ClinVar:

NM_144687.4(NLRP12):c.1885G>A (p.Ala629Thr)

Gene: NLRP12 (NLR family pyrin domain containing 12; minus strand). Cytogenetic location: 19q13.42.
Variant type: single nucleotide variant.
Coding change: c.1885G>A on transcript NM_144687.4 (MANE Select); coding-DNA position 1885, G replaced by A.
Protein change: p.Ala629Thr; replaces alanine 629 with threonine.
Molecular consequence: missense variant.
Genome position (GRCh38, 1-based): chr19:53,809,774, C>T on the plus strand (G>A on the coding strand, the complement: NLRP12 is on the minus strand). VCF-style: chr19-53809774-C-T. GRCh37 (hg19) VCF-style: chr19-54313028-C-T.
Other names: c.1885G>A, p.Ala629Thr (NM_001277126.2, NM_001277129.1); short protein forms A629T.
Identifiers: ClinVar variation 4823804 (VCV004823804.4).

ClinVar aggregate classification (germline): Uncertain significance (1 of 4 stars; one submission).

gnomAD v4.1: 1 of 1,614,134 alleles (0.000062%); highest among the groups gnomAD compares: Non-Finnish European, 0.000085%; no homozygotes.

Submission:

CeGaT Center for Human Genetics Tuebingen
Classification: Uncertain significance. Last evaluated: 2026-04-01. Review status: criteria provided, single submitter. Criteria: CeGaT Center For Human Genetics Tuebingen Variant Classification Criteria Version 2. Collection method: clinical testing. Allele origin: germline. Affected: yes. Observed: 1 variant allele.
Comment: NLRP12: PM5